The following is an entry in ClinVar:

ClinVar aggregate classification (germline): Likely pathogenic (1 of 4 stars; one submission).

Conditions:
Dilated cardiomyopathy 1G (CMD1G). Identifiers: Orphanet 154, MedGen C1858763, MONDO:0011400, OMIM 604145.
Hypertrophic cardiomyopathy 9. Also called: Familial hypertrophic cardiomyopathy 9. Identifiers: MedGen C1861065, MONDO:0013412, OMIM 613765.
Early-onset myopathy with fatal cardiomyopathy (CMYO5). Also called: Salih Myopathy; CONGENITAL MYOPATHY 5 WITH CARDIOMYOPATHY. Identifiers: Orphanet 289377, MedGen C2673677, MONDO:0012714, OMIM 611705. Disease mechanism: loss of function.
Tibial muscular dystrophy (TMD). Also called: Tibial muscular dystrophy, tardive; Udd Distal Myopathy – Tibial Muscular Dystrophy; UDD MYOPATHY. Identifiers: Orphanet 609, MedGen C1838244, MONDO:0010870, OMIM 600334.
Autosomal recessive limb-girdle muscular dystrophy type 2J (LGMDR10). Also called: MUSCULAR DYSTROPHY, LIMB-GIRDLE, AUTOSOMAL RECESSIVE 10; Limb-girdle muscular dystrophy, type 2J. Identifiers: Orphanet 140922, MedGen C1837342, MONDO:0012127, OMIM 608807.
Myopathy, myofibrillar, 9, with early respiratory failure (MFM9). Also called: EDSTROM MYOPATHY; Myopathy, distal, with early respiratory failure, autosomal dominant; Hereditary myopathy with early respiratory failure; MYOPATHY, PROXIMAL, WITH EARLY RESPIRATORY MUSCLE INVOLVEMENT. Identifiers: Orphanet 178464, Orphanet 34521, MedGen C1863599, MONDO:0011362, OMIM 603689.

Submission:

Juno Genomics, Hangzhou Juno Genomics, Inc
Classification: Likely pathogenic for Early-onset myopathy with fatal cardiomyopathy; Dilated cardiomyopathy 1G; Hypertrophic cardiomyopathy 9; Autosomal recessive limb-girdle muscular dystrophy type 2J; Myopathy, myofibrillar, 9, with early respiratory failure; Tibial muscular dystrophy. Review status: criteria provided, single submitter. Criteria: ACMG Guidelines, 2015. Collection method: clinical testing. Allele origin: germline.
Comment: Null variant in a gene where loss of function (LOF) is a known mechanism of disease.;Absent from controls (or at extremely low frequency if recessive) in Genome Aggregation Database.

NM_001267550.2(TTN):c.33511G>T (p.Glu11171Ter)

Gene: TTN (titin; minus strand). Cytogenetic location: 2q31.2.
Variant type: single nucleotide variant.
Coding change: c.33511G>T on transcript NM_001267550.2 (MANE Select); coding-DNA position 33511, G replaced by T.
Protein change: p.Glu11171Ter; replaces glutamic acid 11171 with a stop codon.
Molecular consequence: nonsense. On other transcripts: intron variant (3).
Genome position (GRCh38, 1-based): chr2:178,679,963, C>A on the plus strand (G>T on the coding strand, the complement: TTN is on the minus strand). VCF-style: chr2-178679963-C-A. GRCh37 (hg19) VCF-style: chr2-179544690-C-A.
Other names: c.32560G>T, p.Glu10854Ter (NM_001256850.1); c.29779G>T, p.Glu9927Ter (NM_133378.4); c.13283-37646G>T (NM_003319.4); c.13859-37646G>T (NM_133437.4); c.13658-37646G>T (NM_133432.3); short protein forms E10854*, E11171*, E9927*.
Identifiers: ClinVar variation 3382129 (VCV003382129.3).